The following is an entry in ClinVar:

NM_002769.5(PRSS1):c.257A>G (p.Gln86Arg)

Genes: PRSS1 (serine protease 1; plus strand), TRB (T cell receptor beta locus; plus strand). Cytogenetic location: 7q34.
Variant type: single nucleotide variant.
Coding change: c.257A>G on transcript NM_002769.5 (MANE Select); coding-DNA position 257, A replaced by G.
Protein change: p.Gln86Arg; replaces glutamine 86 with arginine.
Molecular consequence: missense variant. On other transcripts: non-coding transcript variant (3).
Genome position (GRCh38, 1-based): chr7:142,751,830, A>G. VCF-style: chr7-142751830-A-G. GRCh37 (hg19) VCF-style: chr7-142459681-A-G.
Other names: short protein forms Q86R.
Identifiers: ClinVar variation 3939064 (VCV003939064.1).

ClinVar aggregate classification (germline): Uncertain significance (1 of 4 stars; one submission).

Conditions:
Hereditary pancreatitis (PCTT). Also called: Hereditary chronic pancreatitis; PRSS1-Related Hereditary Pancreatitis. Identifiers: Orphanet 676, MedGen C0238339, MONDO:0008185, OMIM 167800.

Submission:

Ambry Genetics
Classification: Uncertain significance for Hereditary pancreatitis. Last evaluated: 2025-06-14. Review status: criteria provided, single submitter. Criteria: Ambry Variant Classification Scheme 2023. Collection method: clinical testing. Allele origin: germline.
Comment: The p.Q86R variant (also known as c.257A>G), located in coding exon 3 of the PRSS1 gene, results from an A to G substitution at nucleotide position 257. The glutamine at codon 86 is replaced by arginine, an amino acid with highly similar properties. This amino acid position is conserved. In addition, the in silico prediction for this alteration is inconclusive. Based on the available evidence, the clinical significance of this variant remains unclear.